The following is an entry in ClinVar:

NM_001382430.1(AKT1):c.1229G>C (p.Gly410Ala)

Gene: AKT1 (AKT serine/threonine kinase 1; minus strand). Cytogenetic location: 14q32.33.
Variant type: single nucleotide variant.
Coding change: c.1229G>C on transcript NM_001382430.1 (MANE Select); coding-DNA position 1229, G replaced by C.
Protein change: p.Gly410Ala; replaces glycine 410 with alanine.
Molecular consequence: missense variant.
Genome position (GRCh38, 1-based): chr14:104,772,396, C>G on the plus strand (G>C on the coding strand, the complement: AKT1 is on the minus strand). VCF-style: chr14-104772396-C-G. GRCh37 (hg19) VCF-style: chr14-105238733-C-G.
Other names: c.1229G>C, p.Gly410Ala (NM_001014431.2, NM_001014432.2, NM_001382431.1 and 3 more transcripts); short protein forms G410A.
Identifiers: ClinVar variation 3519134 (VCV003519134.1).
Genomic context (GRCh38, chr14:104,772,396, plus strand): 5'-GCGCGTGAATATGCGGGGAGCAGCCGCACCTTCTTCTCGTACACGTGCTGCCACACGATA[C>G]CGGCAAAGAAGCGATGCTGCATGATCTCCTTGGCGTCCTCGGAGCCCCCGCCAAGCCTGC-3'
Protein context (NP_001369359.1, residues 400-420): KEIMQHRFFA[Gly410Ala]IVWQHVYEKK

ClinVar aggregate classification (germline): Uncertain significance (1 of 4 stars; one submission).

Conditions:
Inborn genetic diseases. Identifiers: MedGen C0950123, MeSH D030342.

Submission:

Ambry Genetics
Classification: Uncertain significance for Inborn genetic diseases. Last evaluated: 2024-11-14. Review status: criteria provided, single submitter. Criteria: Ambry Variant Classification Scheme 2023. Collection method: clinical testing. Allele origin: germline.
Comment: The p.G410A variant (also known as c.1229G>C), located in coding exon 11 of the AKT1 gene, results from a G to C substitution at nucleotide position 1229. The glycine at codon 410 is replaced by alanine, an amino acid with similar properties. This amino acid position is conserved. In addition, this alteration is predicted to be tolerated by in silico analysis. Based on the available evidence, the clinical significance of this variant remains unclear.